The following is an entry in ClinVar:

ClinVar aggregate classification (germline): Benign/Likely benign. Review status: criteria provided, multiple submitters, no conflicts (2 of 4 stars). 3 submissions from 3 submitters: Benign (1); Likely benign (2). Last evaluated 2025-09-24.

Conditions:
Arrhythmogenic right ventricular dysplasia 10. Also called: Arrhythmogenic right ventricular dysplasia/cardiomyopathy, type 10; Arrhythmogenic Right Ventricular Dysplasia/Cardiomyopathy10; ARRHYTHMOGENIC RIGHT VENTRICULAR DYSPLASIA, FAMILIAL, 10. Identifiers: MedGen C1857777, MONDO:0012434, OMIM 610193.

Allele frequency attached by ClinVar (database versions not stated): gnomAD 0.00001; TOPMed 0.00003; gnomAD exomes 0.00010.
gnomAD v4.1: 31 of 1,610,956 alleles (0.0019%); highest among the groups gnomAD compares: Admixed American, 0.052%; 1 homozygote.

Submissions (3):

Labcorp Genetics (formerly Invitae), Labcorp
Classification: Benign for Arrhythmogenic right ventricular dysplasia 10. Last evaluated: 2025-09-24. Review status: criteria provided, single submitter. Criteria: Invitae Variant Classification Sherloc (09022015). Collection method: clinical testing. Allele origin: germline.

Blueprint Genetics
Classification: Likely benign. Last evaluated: 2024-04-03. Review status: criteria provided, single submitter. Criteria: ACMG Guidelines, 2015. Collection method: clinical testing. Allele origin: germline.

GeneDx
Classification: Likely benign. Last evaluated: 2015-12-01. Review status: criteria provided, single submitter. Criteria: GeneDx Variant Classification (06012015). Collection method: clinical testing. Allele origin: germline. Affected: yes.
Comment: This variant is considered likely benign or benign based on one or more of the following criteria: it is a conservative change, it occurs at a poorly conserved position in the protein, it is predicted to be benign by multiple in silico algorithms, and/or has population frequency not consistent with disease.

NM_001943.5(DSG2):c.81+10C>T

Gene: DSG2 (desmoglein 2; plus strand). Cytogenetic location: 18q12.1.
Variant type: single nucleotide variant.
Coding change: c.81+10C>T on transcript NM_001943.5 (MANE Select); 10 bases into the intron after coding-DNA position 81, C replaced by T.
Molecular consequence: intron variant.
Genome position (GRCh38, 1-based): chr18:31,518,284, C>T. VCF-style: chr18-31518284-C-T. GRCh37 (hg19) VCF-style: chr18-29098247-C-T.
Other names: c.81+10C>T (LRG_397t1).
Identifiers: ClinVar variation 381896 (VCV000381896.12), dbSNP rs764150806, ClinGen allele CA049974.
Genomic context (GRCh38, chr18:31,518,284, plus strand): 5'-AATTTTATTTTACAGATCTGCTTTAACGTTGGAAGTGGACTTCACTTACAGGTGAGGAAA[C>T]AAAGGGATTATTTCTGCCTTCTGACTCAGGAGGGTTAATTCCATGGCAAACAGGTTGACT-3'